The following is an entry in ClinVar:

NM_001131016.2(CIZ1):c.1220_1231del (p.403VQPQ[1])

Gene: CIZ1 (CDKN1A interacting zinc finger protein 1; minus strand). Cytogenetic location: 9q34.11.
Variant type: Deletion.
Coding change: c.1220_1231del on transcript NM_001131016.2 (MANE Select); coding-DNA positions 1220 to 1231, 12 bases deleted (TGCAGCCCCAGG).
Protein change: p.403VQPQ[1].
Molecular consequence: inframe deletion. On other transcripts: intron variant (3).
Genome position (GRCh38, 1-based): chr9:128,178,976-128,178,987, CCTGGGGCTGCA deleted on the plus strand (TGCAGCCCCAGG on the coding strand, the reverse complement: CIZ1 is on the minus strand); deleting any 12 consecutive bases within chr9:128,178,976-128,178,991 gives the same sequence; the c. name uses the placement nearest the transcript's 3' end. VCF-style (leftmost placement, unchanged base first): chr9-128178975-GCCTGGGGCTGCA-G. GRCh37 (hg19) VCF-style: chr9-130941254-GCCTGGGGCTGCA-G.
Other names: c.1310_1321del, p.433VQPQ[1] (NM_001257975.2); c.917_928del, p.302VQPQ[1] (NM_001257976.2); c.1220_1231del, p.403VQPQ[1] (NM_012127.3); c.1135-83_1135-72del (NM_001131015.2); c.1063-83_1063-72del (NM_001131018.2); c.1120-83_1120-72del (NM_001131017.2).
Identifiers: ClinVar variation 3023928 (VCV003023928.3), dbSNP rs1831217587, ClinGen allele CA1129308782.

ClinVar aggregate classification (germline): Uncertain significance (1 of 4 stars; one submission).

Conditions:
Dystonic disorder. Also called: Dystonia. Identifiers: MedGen C0013421, MONDO:0003441, HP:0001332.

Submission:

Labcorp Genetics (formerly Invitae), Labcorp
Classification: Uncertain significance for Dystonic disorder. Last evaluated: 2024-11-16. Review status: criteria provided, single submitter. Criteria: Invitae Variant Classification Sherloc (09022015). Collection method: clinical testing. Allele origin: germline.
Comment: This variant, c.1220_1231del, results in the deletion of 4 amino acid(s) of the CIZ1 protein (p.Val407_Gln410del), but otherwise preserves the integrity of the reading frame. This variant is not present in population databases (gnomAD no frequency). This variant has not been reported in the literature in individuals affected with CIZ1-related conditions. ClinVar contains an entry for this variant (Variation ID: 3023928). Experimental studies and prediction algorithms are not available or were not evaluated, and the functional significance of this variant is currently unknown. In summary, the available evidence is currently insufficient to determine the role of this variant in disease. Therefore, it has been classified as a Variant of Uncertain Significance.